The following is an entry in ClinVar:

NM_000287.4(PEX6):c.1877G>A (p.Arg626Gln)

Gene: PEX6 (peroxisomal biogenesis factor 6; minus strand). Cytogenetic location: 6p21.1.
Variant type: single nucleotide variant.
Coding change: c.1877G>A on transcript NM_000287.4 (MANE Select); coding-DNA position 1877, G replaced by A.
Protein change: p.Arg626Gln; replaces arginine 626 with glutamine.
Molecular consequence: missense variant. On other transcripts: non-coding transcript variant (1).
Genome position (GRCh38, 1-based): chr6:42,967,375, C>T on the plus strand (G>A on the coding strand, the complement: PEX6 is on the minus strand). VCF-style: chr6-42967375-C-T. GRCh37 (hg19) VCF-style: chr6-42935113-C-T.
Other names: c.1613G>A, p.Arg538Gln (NM_001316313.2); short protein forms R626Q, R538Q.
Identifiers: ClinVar variation 596185 (VCV000596185.11), dbSNP rs79351868, ClinGen allele CA3811201.

ClinVar aggregate classification (germline): Uncertain significance. Review status: criteria provided, multiple submitters, no conflicts (2 of 4 stars). 4 submissions from 4 submitters: Uncertain significance (4). Last evaluated 2022-06-22.

Conditions:
Peroxisome biogenesis disorder 4A (Zellweger) (PBD4A). Also called: Zellweger syndrome spectrum (PEX6-related). Identifiers: Orphanet 912, MedGen C3553936, MONDO:0013930, OMIM 614862. Disease mechanism: loss of function.
Peroxisome biogenesis disorder. Identifiers: Orphanet 79189, MedGen C1832200, MONDO:0019234. Disease mechanism: loss of function.

Allele frequency attached by ClinVar (database versions not stated): ExAC 0.00003; gnomAD exomes 0.00005 and 0.00003; TOPMed 0.00006; ESP Exome Variant Server 0.00008; gnomAD 0.00005.

Submissions (4):

Labcorp Genetics (formerly Invitae), Labcorp
Classification: Uncertain significance for Peroxisome biogenesis disorder. Last evaluated: 2022-06-22. Review status: criteria provided, single submitter. Criteria: Invitae Variant Classification Sherloc (09022015). Collection method: clinical testing. Allele origin: germline.
Comment: This sequence change replaces arginine, which is basic and polar, with glutamine, which is neutral and polar, at codon 626 of the PEX6 protein (p.Arg626Gln). This variant is present in population databases (rs79351868, gnomAD 0.01%). This variant has not been reported in the literature in individuals affected with PEX6-related conditions. ClinVar contains an entry for this variant (Variation ID: 596185). Algorithms developed to predict the effect of missense changes on protein structure and function (SIFT, PolyPhen-2, Align-GVGD) all suggest that this variant is likely to be tolerated. In summary, the available evidence is currently insufficient to determine the role of this variant in disease. Therefore, it has been classified as a Variant of Uncertain Significance.

Blueprint Genetics
Classification: Uncertain significance. Last evaluated: 2019-10-30. Review status: criteria provided, single submitter. Criteria: ACMG Guidelines, 2015. Collection method: clinical testing. Allele origin: germline.

Eurofins Ntd Llc (ga)
Classification: Uncertain significance. Last evaluated: 2018-02-15. Review status: criteria provided, single submitter. Criteria: EGL ClinVar v180209 classification definitions. Collection method: clinical testing. Allele origin: germline. Observed: 2 variant alleles, 2 heterozygotes.

Illumina Laboratory Services, Illumina
Classification: Uncertain significance for Peroxisome biogenesis disorder 4A (Zellweger). Last evaluated: 2018-01-13. Review status: criteria provided, single submitter. Criteria: ICSL Variant Classification Criteria 13 December 2019. Collection method: clinical testing. Allele origin: germline.